The following is an entry in ClinVar:

NM_018112.3(TMEM38B):c.532A>T (p.Lys178Ter)

Gene: TMEM38B (transmembrane protein 38B; plus strand). Cytogenetic location: 9q31.2.
Variant type: single nucleotide variant.
Coding change: c.532A>T on transcript NM_018112.3 (MANE Select); coding-DNA position 532, A replaced by T.
Protein change: p.Lys178Ter; replaces lysine 178 with a stop codon.
Molecular consequence: nonsense.
Genome position (GRCh38, 1-based): chr9:105,722,611, A>T. VCF-style: chr9-105722611-A-T. GRCh37 (hg19) VCF-style: chr9-108484892-A-T.
Other names: short protein forms K178*.
Identifiers: ClinVar variation 2501234 (VCV002501234.1), dbSNP rs1836361994, ClinGen allele CA374380656.

ClinVar aggregate classification (germline): Likely pathogenic (1 of 4 stars; one submission).

Conditions:
Osteogenesis imperfecta (OI). Identifiers: Orphanet 666, MedGen C0029434, MeSH D010013, MONDO:0019019.

Allele frequency attached by ClinVar (database versions not stated): TOPMed below 0.00001.

Submission:

Women's Health and Genetics/Laboratory Corporation of America, LabCorp
Classification: Likely pathogenic for Osteogenesis imperfecta. Last evaluated: 2023-03-03. Review status: criteria provided, single submitter. Criteria: LabCorp Variant Classification Summary - May 2015. Collection method: clinical testing. Allele origin: germline.
Comment: Variant summary: TMEM38B c.532A>T (p.Lys178X) results in a premature termination codon, predicted to cause a truncation of the encoded protein or absence of the protein due to nonsense mediated decay, which are commonly known mechanisms for disease. The variant was absent in 251250 control chromosomes (gnomAD). To our knowledge, no occurrence of c.532A>T in individuals affected with Osteogenesis Imperfecta and no experimental evidence demonstrating its impact on protein function have been reported. No clinical diagnostic laboratories have submitted clinical-significance assessments for this variant to ClinVar after 2014. Based on the evidence outlined above, the variant was classified as likely pathogenic.